The following is an entry in ClinVar:

NM_000359.3(TGM1):c.1491+1G>T

Gene: TGM1 (transglutaminase 1; minus strand). Cytogenetic location: 14q12.
Variant type: single nucleotide variant.
Coding change: c.1491+1G>T on transcript NM_000359.3 (MANE Select); the canonical splice donor site of the intron after coding-DNA position 1491, G replaced by T.
Molecular consequence: splice donor variant.
Genome position (GRCh38, 1-based): chr14:24,255,988, C>A on the plus strand (G>T on the coding strand, the complement: TGM1 is on the minus strand). VCF-style: chr14-24255988-C-A. GRCh37 (hg19) VCF-style: chr14-24725194-C-A.
Identifiers: ClinVar variation 1723257 (VCV001723257.1), dbSNP rs2502496203, ClinGen allele CA389255522.

ClinVar aggregate classification (germline): Likely pathogenic (1 of 4 stars; one submission).

Conditions:
Lamellar ichthyosis. Identifiers: Orphanet 313, MedGen C5848247, MONDO:0017778.

Submission:

Women's Health and Genetics/Laboratory Corporation of America, LabCorp
Classification: Likely pathogenic for Lamellar ichthyosis. Last evaluated: 2022-10-08. Review status: criteria provided, single submitter. Criteria: LabCorp Variant Classification Summary - May 2015. Collection method: clinical testing. Allele origin: germline.
Comment: Variant summary: TGM1 c.1491+1G>T is located in a canonical splice-site and is predicted to affect mRNA splicing resulting in a significantly altered protein due to either exon skipping, shortening, or inclusion of intronic material. Four computational tools predict the variant abolishes a canonical 5' splicing donor site. However, these predictions have yet to be confirmed by functional studies. The variant was absent in 168484 control chromosomes (gnomAD). To our knowledge, no occurrence of c.1491+1G>T in individuals affected with Lamellar Ichthyosis and no experimental evidence demonstrating its impact on protein function have been reported. No clinical diagnostic laboratories have submitted clinical-significance assessments for this variant to ClinVar after 2014. Based on the evidence outlined above, the variant was classified as likely pathogenic.